The following is an entry in ClinVar:

ClinVar aggregate classification (germline): Likely pathogenic (1 of 4 stars; one submission).

Conditions:
Perrault syndrome 2 (PRLTS2). Identifiers: Orphanet 2855, Orphanet 642976, MedGen C3554105, MONDO:0013972, OMIM 614926.

Submission:

Institute of Rare Diseases, West China Hospital, Sichuan University
Classification: Likely pathogenic for Perrault syndrome 2. Last evaluated: 2025-01-09. Review status: criteria provided, single submitter. Criteria: ClinGen HL ACMG Specifications v1. Collection method: research. Allele origin: germline. Affected: yes.
Comment: PM3_Strong;PM2_Supporting;PP3

NM_012208.4(HARS2):c.281A>G (p.Asp94Gly)

Gene: HARS2 (histidyl-tRNA synthetase 2, mitochondrial; plus strand). Cytogenetic location: 5q31.3.
Variant type: single nucleotide variant.
Coding change: c.281A>G on transcript NM_012208.4 (MANE Select); coding-DNA position 281, A replaced by G.
Protein change: p.Asp94Gly; replaces aspartic acid 94 with glycine.
Molecular consequence: missense variant.
Genome position (GRCh38, 1-based): chr5:140,694,032, A>G. VCF-style: chr5-140694032-A-G. GRCh37 (hg19) VCF-style: chr5-140073617-A-G.
Other names: c.206A>G, p.Asp69Gly (NM_001278731.2); c.71A>G, p.Asp24Gly (NM_001278732.2, NM_001363536.2); c.299A>G, p.Asp100Gly (NM_001363535.2); short protein forms D100G, D24G, D69G, D94G.
Identifiers: ClinVar variation 3601169 (VCV003601169.1).